The following is an entry in ClinVar:

ClinVar aggregate classification (germline): Uncertain significance. Review status: criteria provided, multiple submitters, no conflicts (2 of 4 stars). 2 submissions from 2 submitters: Uncertain significance (2). Last evaluated 2025-06-10.

Conditions:
Charcot-Marie-Tooth disease type 2. Also called: Charcot-Marie-Tooth type 2. Identifiers: Orphanet 64746, MedGen C0270914, MONDO:0018993.

Allele frequency attached by ClinVar (database versions not stated): gnomAD 0.00001; gnomAD exomes 0.00001; TOPMed below 0.00001.
gnomAD v4.1: 11 of 1,614,064 alleles (0.00068%); highest among the groups gnomAD compares: Non-Finnish European, 0.00093%; no homozygotes.

Submissions (2):

Labcorp Genetics (formerly Invitae), Labcorp
Classification: Uncertain significance for Charcot-Marie-Tooth disease type 2. Last evaluated: 2025-06-10. Review status: criteria provided, single submitter. Criteria: Invitae Variant Classification Sherloc (09022015). Collection method: clinical testing. Allele origin: germline.
Comment: This sequence change replaces leucine, which is neutral and non-polar, with glutamine, which is neutral and polar, at codon 393 of the AARS protein (p.Leu393Gln). This variant is not present in population databases (gnomAD no frequency). This variant has not been reported in the literature in individuals affected with AARS-related conditions. ClinVar contains an entry for this variant (Variation ID: 2990169). Invitae Evidence Modeling of protein sequence and biophysical properties (such as structural, functional, and spatial information, amino acid conservation, physicochemical variation, residue mobility, and thermodynamic stability) indicates that this missense variant is expected to disrupt AARS protein function with a positive predictive value of 95%. In summary, the available evidence is currently insufficient to determine the role of this variant in disease. Therefore, it has been classified as a Variant of Uncertain Significance.

GeneDx
Classification: Uncertain significance. Last evaluated: 2023-12-07. Review status: criteria provided, single submitter. Criteria: GeneDx Variant Classification Process June 2021. Collection method: clinical testing. Allele origin: germline. Affected: yes.
Comment: Not observed at significant frequency in large population cohorts (gnomAD); In silico analysis supports that this missense variant has a deleterious effect on protein structure/function; Has not been previously published as pathogenic or benign to our knowledge; This variant is associated with the following publications: (PMID: 25817015)

NM_001605.3(AARS1):c.1178T>A (p.Leu393Gln)

Gene: AARS1 (alanyl-tRNA synthetase 1; minus strand). Cytogenetic location: 16q22.1.
Variant type: single nucleotide variant.
Coding change: c.1178T>A on transcript NM_001605.3 (MANE Select); coding-DNA position 1178, T replaced by A.
Protein change: p.Leu393Gln; replaces leucine 393 with glutamine.
Molecular consequence: missense variant.
Genome position (GRCh38, 1-based): chr16:70,267,703, A>T on the plus strand (T>A on the coding strand, the complement: AARS1 is on the minus strand). VCF-style: chr16-70267703-A-T. GRCh37 (hg19) VCF-style: chr16-70301606-A-T.
Other names: short protein forms L393Q.
Identifiers: ClinVar variation 2990169 (VCV002990169.4), dbSNP rs1472762524, ClinGen allele CA396563475.